The following is an entry in ClinVar:

NM_001077653.2(TBX20):c.1022C>G (p.Ser341Cys)

Gene: TBX20 (T-box transcription factor 20; minus strand). Cytogenetic location: 7p14.2.
Variant type: single nucleotide variant.
Coding change: c.1022C>G on transcript NM_001077653.2 (MANE Select); coding-DNA position 1022, C replaced by G.
Protein change: p.Ser341Cys; replaces serine 341 with cysteine.
Molecular consequence: missense variant.
Genome position (GRCh38, 1-based): chr7:35,202,752, G>C on the plus strand (C>G on the coding strand, the complement: TBX20 is on the minus strand). VCF-style: chr7-35202752-G-C. GRCh37 (hg19) VCF-style: chr7-35242364-G-C.
Other names: short protein forms S341C.
Identifiers: ClinVar variation 1391310 (VCV001391310.8), dbSNP rs1160063704, ClinGen allele CA367263381.

ClinVar aggregate classification (germline): Uncertain significance (1 of 4 stars; one submission).

Allele frequency attached by ClinVar (database versions not stated): gnomAD exomes below 0.00001.
gnomAD v4.1: 6 of 1,558,698 alleles (0.00038%); highest among the groups gnomAD compares: Non-Finnish European, 0.00052%; no homozygotes.

Submission:

Labcorp Genetics (formerly Invitae), Labcorp
Classification: Uncertain significance. Last evaluated: 2024-02-16. Review status: criteria provided, single submitter. Criteria: Invitae Variant Classification Sherloc (09022015). Collection method: clinical testing. Allele origin: germline.
Comment: This sequence change replaces serine, which is neutral and polar, with cysteine, which is neutral and slightly polar, at codon 341 of the TBX20 protein (p.Ser341Cys). This variant is not present in population databases (gnomAD no frequency). This variant has not been reported in the literature in individuals affected with TBX20-related conditions. ClinVar contains an entry for this variant (Variation ID: 1391310). Advanced modeling of protein sequence and biophysical properties (such as structural, functional, and spatial information, amino acid conservation, physicochemical variation, residue mobility, and thermodynamic stability) performed at Invitae indicates that this missense variant is not expected to disrupt TBX20 protein function with a negative predictive value of 80%. In summary, the available evidence is currently insufficient to determine the role of this variant in disease. Therefore, it has been classified as a Variant of Uncertain Significance.